The following is an entry in ClinVar:

NM_017534.6(MYH2):c.950G>T (p.Ser317Ile)

Genes: MYH2 (myosin heavy chain 2; minus strand), MYHAS (myosin heavy chain gene cluster antisense RNA; plus strand). Cytogenetic location: 17p13.1.
Variant type: single nucleotide variant.
Coding change: c.950G>T on transcript NM_017534.6 (MANE Select); coding-DNA position 950, G replaced by T.
Protein change: p.Ser317Ile; replaces serine 317 with isoleucine.
Molecular consequence: missense variant.
Genome position (GRCh38, 1-based): chr17:10,540,652, C>A on the plus strand (G>T on the coding strand, the complement: MYH2 is on the minus strand). VCF-style: chr17-10540652-C-A. GRCh37 (hg19) VCF-style: chr17-10443969-C-A.
Other names: c.950G>T, p.Ser317Ile (NM_001100112.2); short protein forms S317I.
Identifiers: ClinVar variation 582355 (VCV000582355.6), dbSNP rs1567735281, ClinGen allele CA398164362.

ClinVar aggregate classification (germline): Uncertain significance (1 of 4 stars; one submission).

Conditions:
Myopathy, proximal, and ophthalmoplegia (CMYO6). Also called: CONGENITAL MYOPATHY 6 WITH OPHTHALMOPLEGIA; INCLUSION BODY MYOPATHY 3, AUTOSOMAL DOMINANT; MYOPATHY WITH CONGENITAL JOINT CONTRACTURES, OPHTHALMOPLEGIA, AND RIMMED VACUOLES. Identifiers: Orphanet 363677, Orphanet 79091, MedGen C1854106, MONDO:0011577, OMIM 605637.

Submission:

Labcorp Genetics (formerly Invitae), Labcorp
Classification: Uncertain significance for Myopathy, proximal, and ophthalmoplegia. Last evaluated: 2018-01-14. Review status: criteria provided, single submitter. Criteria: Invitae Variant Classification Sherloc (09022015). Collection method: clinical testing. Allele origin: germline.
Comment: In summary, the available evidence is currently insufficient to determine the role of this variant in disease. Therefore, it has been classified as a Variant of Uncertain Significance. Algorithms developed to predict the effect of missense changes on protein structure and function (SIFT, PolyPhen-2, Align-GVGD) all suggest that this variant is likely to be disruptive, but these predictions have not been confirmed by published functional studies and their clinical significance is uncertain. This variant has not been reported in the literature in individuals with MYH2-related disease. This variant is not present in population databases (ExAC no frequency). This sequence change replaces serine with isoleucine at codon 317 of the MYH2 protein (p.Ser317Ile). The serine residue is highly conserved and there is a large physicochemical difference between serine and isoleucine.